The following is an entry in ClinVar:

ClinVar aggregate classification (germline): Conflicting classifications of pathogenicity. Review status: criteria provided, conflicting classifications (1 of 4 stars). 3 submissions from 3 submitters: Uncertain significance (1); Likely benign (2). Last evaluated 2024-07-01.

Conditions:
Koolen-de Vries syndrome (KDVS). Identifiers: Orphanet 96169, MedGen C1864871, MONDO:0012496, OMIM 610443.

Allele frequency attached by ClinVar (database versions not stated): TOPMed 0.00001.
gnomAD v4.1: 20 of 1,605,116 alleles (0.0012%); highest among the groups gnomAD compares: African/African-American, 0.008%; no homozygotes.

Submissions (3):

CeGaT Center for Human Genetics Tuebingen
Classification: Likely benign. Last evaluated: 2024-07-01. Review status: criteria provided, single submitter. Criteria: CeGaT Center For Human Genetics Tuebingen Variant Classification Criteria Version 2. Collection method: clinical testing. Allele origin: germline. Affected: yes. Observed: 1 variant allele.
Comment: KANSL1: BP4

Labcorp Genetics (formerly Invitae), Labcorp
Classification: Uncertain significance for Koolen-de Vries syndrome. Last evaluated: 2022-03-23. Review status: criteria provided, single submitter. Criteria: Invitae Variant Classification Sherloc (09022015). Collection method: clinical testing. Allele origin: germline.
Comment: Due to the possible presence of a polymorphic segmental duplication, the location of the variant could not be unambiguously resolved. Variants with ambiguous mapping are still reported relative to the KANSL1 transcript. This sequence change replaces arginine, which is basic and polar, with proline, which is neutral and non-polar, at codon 426 of the KANSL1 protein (p.Arg426Pro). The frequency data for this variant in the population databases (gnomAD) is considered unreliable due to the presence of homologous sequence, such as pseudogenes or paralogs, in the genome. This variant has not been reported in the literature in individuals with KANSL1-related conditions. ClinVar contains an entry for this variant (Variation ID: 380699). Algorithms developed to predict the effect of missense changes on protein structure and function (SIFT, PolyPhen-2, Align-GVGD) all suggest that this variant is likely to be tolerated. Until the location of this sequence change can be resolved, the clinical significance of this variant remains uncertain. It has been classified as a Variant of Uncertain Significance.

GeneDx
Classification: Likely benign. Last evaluated: 2015-09-25. Review status: criteria provided, single submitter. Criteria: GeneDx Variant Classification (06012015). Collection method: clinical testing. Allele origin: germline. Affected: yes.
Comment: This variant is considered likely benign or benign based on one or more of the following criteria: it is a conservative change, it occurs at a poorly conserved position in the protein, it is predicted to be benign by multiple in silico algorithms, and/or has population frequency not consistent with disease.

NM_015443.4(KANSL1):c.1277G>C (p.Arg426Pro)

Gene: KANSL1 (KAT8 regulatory NSL complex subunit 1). Cytogenetic location: 17q21.31.
Variant type: single nucleotide variant.
Coding change: c.1277G>C on transcript NM_015443.4 (MANE Select); coding-DNA position 1277, G replaced by C.
Protein change: p.Arg426Pro; replaces arginine 426 with proline.
Molecular consequence: missense variant.
Genome position (GRCh38, 1-based): chr17:46,170,867, C>G on the plus strand (G>C on the coding strand, the complement: KANSL1 is on the minus strand). VCF-style: chr17-46170867-C-G. GRCh37 (hg19) VCF-style: chr17-44248233-C-G.
Other names: c.1277G>C, p.Arg426Pro (NM_001193465.2, NM_001193466.2, NM_001379198.1); short protein forms R426P.
Identifiers: ClinVar variation 380699 (VCV000380699.23), dbSNP rs764291274, ClinGen allele CA8618867.
Genomic context (GRCh38, chr17:46,170,867, plus strand): 5'-TTGTGCCAACATTTCTCAAGAATGCTATCATGCATGAGGTCTACTCACAGGGGTACATGA[C>G]GCTGCTCGGGATCAGCTCTGGTCAGTTCTTCCTCTTCAATATCAGACTCCCCTCCTGAAC-3'
Protein context (NP_056258.1, residues 416-436): EELTRADPEQ[Arg426Pro]HVPLRRRSEW